The following is an entry in ClinVar:

ClinVar aggregate classification (germline): Uncertain significance (1 of 4 stars; one submission).

Conditions:
Ataxia-telangiectasia-like disorder (ATLD). Identifiers: MedGen C1858391, MONDO:0011457.

Submission:

Labcorp Genetics (formerly Invitae), Labcorp
Classification: Uncertain significance for Ataxia-telangiectasia-like disorder. Last evaluated: 2018-10-12. Review status: criteria provided, single submitter. Criteria: Invitae Variant Classification Sherloc (09022015). Collection method: clinical testing. Allele origin: germline.
Comment: In summary, the available evidence is currently insufficient to determine the role of this variant in disease. Therefore, it has been classified as a Variant of Uncertain Significance. Algorithms developed to predict the effect of missense changes on protein structure and function (SIFT, PolyPhen-2, Align-GVGD) all suggest that this variant is likely to be tolerated, but these predictions have not been confirmed by published functional studies and their clinical significance is uncertain. This variant has not been reported in the literature in individuals with MRE11-related disease. This variant is not present in population databases (ExAC no frequency). This sequence change replaces glycine with arginine at codon 415 of the MRE11 protein (p.Gly415Arg). The glycine residue is moderately conserved and there is a moderate physicochemical difference between glycine and arginine.

NM_005591.4(MRE11):c.1243G>C (p.Gly415Arg)

Gene: MRE11 (MRE11 double strand break repair nuclease; minus strand). Cytogenetic location: 11q21.
Variant type: single nucleotide variant.
Coding change: c.1243G>C on transcript NM_005591.4 (MANE Select); coding-DNA position 1243, G replaced by C.
Protein change: p.Gly415Arg; replaces glycine 415 with arginine.
Molecular consequence: missense variant.
Genome position (GRCh38, 1-based): chr11:94,461,019, C>G on the plus strand (G>C on the coding strand, the complement: MRE11 is on the minus strand). VCF-style: chr11-94461019-C-G. GRCh37 (hg19) VCF-style: chr11-94194185-C-G.
Other names: c.1243G>C, p.Gly415Arg (NM_001330347.2, NM_005590.4); short protein forms G415R.
Identifiers: ClinVar variation 651157 (VCV000651157.8), dbSNP rs1591675029, ClinGen allele CA382372444.